The following is an entry in ClinVar:

ClinVar aggregate classification (germline): Conflicting classifications of pathogenicity. Review status: criteria provided, conflicting classifications (1 of 4 stars). 3 submissions from 3 submitters: Uncertain significance (2); Likely benign (1). Last evaluated 2025-09-05.

Conditions:
Sulfite oxidase deficiency due to molybdenum cofactor deficiency type C. Also called: Molybdenum cofactor deficiency C; Molybdenum cofactor deficiency, complementation group C. Identifiers: Orphanet 308400, Orphanet 833, MedGen C1854990, MONDO:0014212, OMIM 615501.
Inborn genetic diseases. Identifiers: MedGen C0950123, MeSH D030342.

Allele frequency attached by ClinVar (database versions not stated): gnomAD 0.00001; ExAC 0.00002; gnomAD exomes 0.00002 and 0.00003.
gnomAD v4.1: 38 of 1,612,650 alleles (0.0024%); highest among the groups gnomAD compares: Middle Eastern, 0.049%; 3 homozygotes.

Submissions (3):

Ambry Genetics
Classification: Likely benign for Inborn genetic diseases. Last evaluated: 2025-09-05. Review status: criteria provided, single submitter. Criteria: Ambry Variant Classification Scheme 2023. Collection method: clinical testing. Allele origin: germline.

Labcorp Genetics (formerly Invitae), Labcorp
Classification: Uncertain significance for Sulfite oxidase deficiency due to molybdenum cofactor deficiency type C. Last evaluated: 2024-03-17. Review status: criteria provided, single submitter. Criteria: Invitae Variant Classification Sherloc (09022015). Collection method: clinical testing. Allele origin: germline.
Comment: This sequence change replaces threonine, which is neutral and polar, with alanine, which is neutral and non-polar, at codon 446 of the GPHN protein (p.Thr446Ala). This variant is present in population databases (rs776988756, gnomAD 0.03%). This variant has not been reported in the literature in individuals affected with GPHN-related conditions. ClinVar contains an entry for this variant (Variation ID: 1492793). Advanced modeling of protein sequence and biophysical properties (such as structural, functional, and spatial information, amino acid conservation, physicochemical variation, residue mobility, and thermodynamic stability) performed at Invitae indicates that this missense variant is expected to disrupt GPHN protein function with a positive predictive value of 80%. In summary, the available evidence is currently insufficient to determine the role of this variant in disease. Therefore, it has been classified as a Variant of Uncertain Significance.

CeGaT Center for Human Genetics Tuebingen
Classification: Uncertain significance. Last evaluated: 2023-02-01. Review status: criteria provided, single submitter. Criteria: CeGaT Center For Human Genetics Tuebingen Variant Classification Criteria Version 2. Collection method: clinical testing. Allele origin: germline. Affected: yes. Observed: 1 variant allele.
Comment: GPHN: PM2:Supporting, PP3

NM_020806.5(GPHN):c.1336A>G (p.Thr446Ala)

Gene: GPHN (gephyrin; plus strand). Cytogenetic location: 14q23.3.
Variant type: single nucleotide variant.
Coding change: c.1336A>G on transcript NM_020806.5 (MANE Select); coding-DNA position 1336, A replaced by G.
Protein change: p.Thr446Ala; replaces threonine 446 with alanine.
Molecular consequence: missense variant.
Genome position (GRCh38, 1-based): chr14:67,110,182, A>G. VCF-style: chr14-67110182-A-G. GRCh37 (hg19) VCF-style: chr14-67576899-A-G.
Other names: c.1237A>G, p.Thr413Ala (NM_001024218.2); c.1396A>G, p.Thr466Ala (NM_001377514.1); c.1366A>G, p.Thr456Ala (NM_001377515.1); c.1357A>G, p.Thr453Ala (NM_001377516.1); c.1309A>G, p.Thr437Ala (NM_001377517.1); c.1294A>G, p.Thr432Ala (NM_001377518.1); c.1276A>G, p.Thr426Ala (NM_001377519.1); c.1336A>G (NM_020806.4); short protein forms T413A, T426A, T432A, T456A, T466A, T446A, T453A, T437A.
Identifiers: ClinVar variation 1492793 (VCV001492793.30), dbSNP rs776988756, ClinGen allele CA7234063.